The following is an entry in ClinVar:

ClinVar aggregate classification (germline): Uncertain significance. Review status: criteria provided, multiple submitters, no conflicts (2 of 4 stars). 6 submissions from 6 submitters: Uncertain significance (6). Last evaluated 2025-11-06.

Conditions:
RYR1-related disorder. Also called: RYR1-related disorders; RYR1-related condition. Identifiers: MedGen CN239331.
Inborn genetic diseases. Identifiers: MedGen C0950123, MeSH D030342.
Malignant hyperthermia, susceptibility to, 1 (MHS1). Also called: Anesthesia related hyperthermia; Malignant hyperpyrexia; Fulminating hyperpyrexia; Pharmacogenic myopathy; RYR1-Related Malignant Hyperthermia Susceptibility; Malignant hyperthermia suceptibility 1. Identifiers: Orphanet 423, MedGen C2930980, MONDO:0007783, OMIM 145600.
Central core myopathy (CMYO1A). Also called: CONGENITAL MYOPATHY 1A, AUTOSOMAL DOMINANT, WITH SUSCEPTIBILITY TO MALIGNANT HYPERTHERMIA; Central core disease; Myopathy, central fibrillar. Identifiers: Orphanet 597, MedGen C5830701, MONDO:0007294, OMIM 117000.

Allele frequency attached by ClinVar (database versions not stated): gnomAD exomes 0.00001; 1000 Genomes Project 30x 0.00031; gnomAD 0.00001; ExAC 0.00002; 1000 Genomes Project 0.00040.
gnomAD v4.1: 22 of 1,613,892 alleles (0.0014%); highest among the groups gnomAD compares: South Asian, 0.024%; no homozygotes.

Submissions (6):

Ambry Genetics
Classification: Uncertain significance for Inborn genetic diseases. Last evaluated: 2025-11-06. Review status: criteria provided, single submitter. Criteria: Ambry Variant Classification Scheme 2023. Collection method: clinical testing. Allele origin: germline.

Genetics and Genomic Medicine Centre, NeuroGen Healthcare, NeuroGen Healthcare
Classification: Uncertain significance for Central core myopathy. Last evaluated: 2024-09-03. Review status: criteria provided, single submitter. Criteria: ACMG Guidelines, 2015. Collection method: clinical testing. Allele origin: unknown. Affected: yes.

All of Us Research Program, National Institutes of Health
Classification: Uncertain significance for Malignant hyperthermia, susceptibility to, 1. Last evaluated: 2024-05-30. Review status: criteria provided, single submitter. Criteria: ACMG Guidelines, 2015. Collection method: clinical testing. Allele origin: germline. Inheritance: Autosomal dominant inheritance. Observed: 3 variant alleles, 3 heterozygotes.
Comment: This missense variant replaces threonine with alanine at codon 3528 of the RYR1 protein. Computational prediction suggests that this variant may not impact protein structure and function (internally defined REVEL score threshold <= 0.5, PMID: 27666373). To our knowledge, functional studies have not been reported for this variant. This variant has not been reported in individuals affected with RYR1-related disorders in the literature. This variant has been identified in 2/251202 chromosomes in the general population by the Genome Aggregation Database (gnomAD). The available evidence is insufficient to determine the role of this variant in disease conclusively. Therefore, this variant is classified as a Variant of Uncertain Significance.

This study involves interpretation of variants in research participants for the purpose of population health screening. Participant phenotype was not available at the time of variant classification. Additional details can be found in publication PMID: 35346344, PMCID: PMC8962531

Color Diagnostics, LLC DBA Color Health
Classification: Uncertain significance for Malignant hyperthermia, susceptibility to, 1. Last evaluated: 2024-05-14. Review status: criteria provided, single submitter. Criteria: ACMG Guidelines, 2015. Collection method: clinical testing. Allele origin: germline.
Comment: This missense variant replaces threonine with alanine at codon 3528 of the RYR1 protein. Computational prediction suggests that this variant may not impact protein structure and function. To our knowledge, functional studies have not been reported for this variant. This variant has not been reported in individuals affected with RYR1-related disorders in the literature. This variant has been identified in 2/251202 chromosomes in the general population by the Genome Aggregation Database (gnomAD). The available evidence is insufficient to determine the role of this variant in disease conclusively. Therefore, this variant is classified as a Variant of Uncertain Significance.

Labcorp Genetics (formerly Invitae), Labcorp
Classification: Uncertain significance for RYR1-related disorder. Last evaluated: 2021-12-06. Review status: criteria provided, single submitter. Criteria: Invitae Variant Classification Sherloc (09022015). Collection method: clinical testing. Allele origin: germline.
Comment: This sequence change replaces threonine, which is neutral and polar, with alanine, which is neutral and non-polar, at codon 3528 of the RYR1 protein (p.Thr3528Ala). This variant is present in population databases (rs562359442, gnomAD 0.006%). This variant has not been reported in the literature in individuals affected with RYR1-related conditions. Advanced modeling of protein sequence and biophysical properties (such as structural, functional, and spatial information, amino acid conservation, physicochemical variation, residue mobility, and thermodynamic stability) performed at Invitae indicates that this missense variant is not expected to disrupt RYR1 protein function. In summary, the available evidence is currently insufficient to determine the role of this variant in disease. Therefore, it has been classified as a Variant of Uncertain Significance.

Neuberg Centre For Genomic Medicine, NCGM
Classification: Uncertain significance for Central core myopathy. Review status: criteria provided, single submitter. Criteria: ACMG Guidelines, 2015. Collection method: clinical testing. Allele origin: germline. Inheritance: Autosomal dominant inheritance. Affected: yes.
Comment: The missense c.10582A>Gp.Thr3528Ala variant in RYR1 gene has not been reported previously as a pathogenic variant nor as a benign variant, to our knowledge. This variant is reported with the allele frequency of 0.0008% in the gnomAD Exomes and novel in 1000 Genomes. This variant has been reported to the ClinVar database as Uncertain Significance. However, no details are available for independent assessment. The amino acid Thr at position 3528 is changed to a Ala changing protein sequence and it might alter its composition and physico-chemical properties. The amino acid change p.Thr3528Ala in RYR1 is predicted as conserved by GERP++ and PhyloP across 100 vertebrates. For these reasons, this variant has been classified as Uncertain Significance.

NM_000540.3(RYR1):c.10582A>G (p.Thr3528Ala)

Gene: RYR1 (ryanodine receptor 1; plus strand). Cytogenetic location: 19q13.2.
Variant type: single nucleotide variant.
Coding change: c.10582A>G on transcript NM_000540.3 (MANE Select); coding-DNA position 10582, A replaced by G.
Protein change: p.Thr3528Ala; replaces threonine 3528 with alanine.
Molecular consequence: missense variant.
Genome position (GRCh38, 1-based): chr19:38,525,458, A>G. VCF-style: chr19-38525458-A-G. GRCh37 (hg19) VCF-style: chr19-39016098-A-G.
Other names: c.10567A>G, p.Thr3523Ala (NM_001042723.2); c.10582A>G (NM_000540.2); short protein forms T3523A, T3528A.
Identifiers: ClinVar variation 1408903 (VCV001408903.9), dbSNP rs562359442, ClinGen allele CA054039.